The following is an entry in ClinVar:

NM_004259.7(RECQL5):c.1439A>G (p.Asp480Gly)

Gene: RECQL5 (RecQ like helicase 5; minus strand). Cytogenetic location: 17q25.1.
Variant type: single nucleotide variant.
Coding change: c.1439A>G on transcript NM_004259.7 (MANE Select); coding-DNA position 1439, A replaced by G.
Protein change: p.Asp480Gly; replaces aspartic acid 480 with glycine.
Molecular consequence: missense variant.
Genome position (GRCh38, 1-based): chr17:75,631,459, T>C on the plus strand (A>G on the coding strand, the complement: RECQL5 is on the minus strand). VCF-style: chr17-75631459-T-C. GRCh37 (hg19) VCF-style: chr17-73627539-T-C.
Other names: short protein forms D480G.
Identifiers: ClinVar variation 1261428 (VCV001261428.5), dbSNP rs820196, ClinGen allele CA8767528.

ClinVar aggregate classification (germline): Benign. Review status: criteria provided, multiple submitters, no conflicts (2 of 4 stars). 3 submissions from 3 submitters: Benign (2). 1 of the submissions does not count toward it. Last evaluated 2021-02-25.

Conditions:
RECQL5-related disorder. Also called: RECQL5-related condition.

Allele frequency attached by ClinVar (database versions not stated): ESP Exome Variant Server 0.20125; gnomAD 0.21675; TOPMed 0.22907; 1000 Genomes Project 30x 0.26062; 1000 Genomes Project 0.26577.
gnomAD v4.1: 381,782 of 1,606,496 alleles (24%); highest among the groups gnomAD compares: South Asian, 34%; 46,957 homozygotes.

Submissions (3):

GeneDx
Classification: Benign. Last evaluated: 2021-02-25. Review status: criteria provided, single submitter. Criteria: GeneDx Variant Classification Process June 2021. Collection method: clinical testing. Allele origin: germline. Affected: yes.
Comment: This variant is associated with the following publications: (PMID: 24213927)

Breakthrough Genomics
Classification: Benign. Review status: criteria provided, single submitter. Criteria: ACMG Guidelines, 2015. Collection method: not provided. Allele origin: germline. Inheritance: Unknown mechanism. Affected: yes.

PreventionGenetics, part of Exact Sciences
Classification: Benign for RECQL5-related condition. Last evaluated: 2019-11-04. Review status: no assertion criteria provided. Collection method: clinical testing. Allele origin: germline. Not counted in ClinVar's aggregate classification.
Comment: This variant is classified as benign based on ACMG/AMP sequence variant interpretation guidelines (Richards et al. 2015 PMID: 25741868, with internal and published modifications).